The following is an entry in ClinVar:

NM_001257096.2(PAX1):c.413G>A (p.Arg138Gln)

Gene: PAX1 (paired box 1; plus strand). Cytogenetic location: 20p11.22.
Variant type: single nucleotide variant.
Coding change: c.413G>A on transcript NM_001257096.2 (MANE Select); coding-DNA position 413, G replaced by A.
Protein change: p.Arg138Gln; replaces arginine 138 with glutamine.
Molecular consequence: missense variant.
Genome position (GRCh38, 1-based): chr20:21,706,564, G>A. VCF-style: chr20-21706564-G-A. GRCh37 (hg19) VCF-style: chr20-21687202-G-A.
Other names: c.413G>A, p.Arg138Gln (NM_006192.5); short protein forms R138Q.
Identifiers: ClinVar variation 1345314 (VCV001345314.5), dbSNP rs2122133090, ClinGen allele CA408497920.
Genomic context (GRCh38, chr20:21,706,564, plus strand): 5'-CCATCCGCTTGCGCATTGTGGAGCTGGCGCAGCTGGGCATCCGACCCTGTGACATCAGTC[G>A]GCAGCTCCGCGTATCCCACGGCTGCGTGAGCAAGATCCTGGCGCGCTACAACGAGACCGG-3'
Protein context (NP_001244025.1, residues 128-148): QLGIRPCDIS[Arg138Gln]QLRVSHGCVS

ClinVar aggregate classification (germline): Uncertain significance (1 of 4 stars; one submission).

Submission:

Labcorp Genetics (formerly Invitae), Labcorp
Classification: Uncertain significance. Last evaluated: 2024-06-10. Review status: criteria provided, single submitter. Criteria: Invitae Variant Classification Sherloc (09022015). Collection method: clinical testing. Allele origin: germline.
Comment: This sequence change replaces arginine, which is basic and polar, with glutamine, which is neutral and polar, at codon 138 of the PAX1 protein (p.Arg138Gln). This variant is not present in population databases (gnomAD no frequency). This variant has not been reported in the literature in individuals affected with PAX1-related conditions. ClinVar contains an entry for this variant (Variation ID: 1345314). Advanced modeling of protein sequence and biophysical properties (such as structural, functional, and spatial information, amino acid conservation, physicochemical variation, residue mobility, and thermodynamic stability) performed at Invitae indicates that this missense variant is not expected to disrupt PAX1 protein function with a negative predictive value of 80%. In summary, the available evidence is currently insufficient to determine the role of this variant in disease. Therefore, it has been classified as a Variant of Uncertain Significance.